The following is an entry in ClinVar:

ClinVar aggregate classification (germline): Conflicting classifications of pathogenicity. Review status: criteria provided, conflicting classifications (1 of 4 stars). 4 submissions from 4 submitters: Uncertain significance (2); Benign (1). 1 of the submissions does not count toward it. Last evaluated 2025-12-15.

Conditions:
TJP2-related disorder. Also called: TJP2-related condition.
Hypercholanemia, familial 1 (FHCA1). Identifiers: Orphanet 238475, MedGen C5542604, MONDO:0031446, OMIM 607748.

Allele frequency attached by ClinVar (database versions not stated): gnomAD 0.00001 and 0.00016; TOPMed 0.00002; 1000 Genomes Project 0.00020; gnomAD exomes 0.00021 and 0.00047; 1000 Genomes Project 30x 0.00031; ExAC 0.00102.
gnomAD v4.1: 314 of 1,580,768 alleles (0.02%); highest among the groups gnomAD compares: South Asian, 0.33%; 3 homozygotes.

Submissions (4):

Labcorp Genetics (formerly Invitae), Labcorp
Classification: Benign. Last evaluated: 2025-12-15. Review status: criteria provided, single submitter. Criteria: Invitae Variant Classification Sherloc (09022015). Collection method: clinical testing. Allele origin: germline.

Genomic Medicine Center of Excellence, King Faisal Specialist Hospital and Research Centre
Classification: Uncertain significance for Hypercholanemia, familial 1. Last evaluated: 2025-09-10. Review status: criteria provided, single submitter. Criteria: ACMG Guidelines, 2015. Collection method: clinical testing. Allele origin: germline.

GeneDx
Classification: Uncertain significance. Last evaluated: 2019-11-05. Review status: criteria provided, single submitter. Criteria: GeneDx Variant Classification Process June 2021. Collection method: clinical testing. Allele origin: germline. Affected: yes.
Comment: In silico analysis, which includes protein predictors and evolutionary conservation, supports that this variant does not alter protein structure/function; Has not been previously published as pathogenic or benign to our knowledge

PreventionGenetics, part of Exact Sciences
Classification: Likely benign for TJP2-related condition. Last evaluated: 2022-03-28. Review status: no assertion criteria provided. Collection method: clinical testing. Allele origin: germline. Not counted in ClinVar's aggregate classification.
Comment: This variant is classified as likely benign based on ACMG/AMP sequence variant interpretation guidelines (Richards et al. 2015 PMID: 25741868, with internal and published modifications).

NM_004817.4(TJP2):c.853C>T (p.Arg285Cys)

Gene: TJP2 (tight junction protein 2; plus strand). Cytogenetic location: 9q21.11.
Variant type: single nucleotide variant.
Coding change: c.853C>T on transcript NM_004817.4 (MANE Select); coding-DNA position 853, C replaced by T.
Protein change: p.Arg285Cys; replaces arginine 285 with cysteine.
Molecular consequence: missense variant.
Genome position (GRCh38, 1-based): chr9:69,221,397, C>T. VCF-style: chr9-69221397-C-T. GRCh37 (hg19) VCF-style: chr9-71836313-C-T.
Other names: c.784C>T, p.Arg262Cys (NM_001170414.2, NM_001369870.1, NM_001369871.1); c.865C>T, p.Arg289Cys (NM_001170415.1, NM_001369874.1, NM_001369875.1); c.946C>T, p.Arg316Cys (NM_001170416.2); c.853C>T, p.Arg285Cys (NM_001369872.1, NM_001369873.1, NM_201629.3); short protein forms R262C, R285C, R289C, R316C.
Identifiers: ClinVar variation 1309993 (VCV001309993.12), dbSNP rs546327568, ClinGen allele CA5073114.